The following is an entry in ClinVar:

NM_194293.4(XIRP1):c.4326C>T (p.Pro1442=)

Gene: XIRP1 (xin actin binding repeat containing 1; minus strand). Cytogenetic location: 3p22.2.
Variant type: single nucleotide variant.
Coding change: c.4326C>T on transcript NM_194293.4 (MANE Select); coding-DNA position 4326, C replaced by T.
Protein change: p.Pro1442=; no amino-acid change (proline 1442 retained).
Molecular consequence: synonymous variant. On other transcripts: 3 prime UTR variant (1).
Genome position (GRCh38, 1-based): chr3:39,185,120, G>A on the plus strand (C>T on the coding strand, the complement: XIRP1 is on the minus strand). VCF-style: chr3-39185120-G-A. GRCh37 (hg19) VCF-style: chr3-39226611-G-A.
Other names: c.*533C>T (NM_001198621.4); c.375C>T, p.Pro125= (NM_001351377.2).
Identifiers: ClinVar variation 3056119 (VCV003056119.2), dbSNP rs755363179, ClinGen allele CA2325868.

ClinVar aggregate classification (germline): Likely benign (0 of 4 stars; one submission).

Conditions:
XIRP1-related disorder. Also called: XIRP1-related condition.

Allele frequency attached by ClinVar (database versions not stated): gnomAD 0.00003; ExAC 0.00006; TOPMed 0.00008.

Submission:

PreventionGenetics, part of Exact Sciences
Classification: Likely benign for XIRP1-related condition. Last evaluated: 2019-08-09. Review status: no assertion criteria provided. Collection method: clinical testing. Allele origin: germline.
Comment: This variant is classified as likely benign based on ACMG/AMP sequence variant interpretation guidelines (Richards et al. 2015 PMID: 25741868, with internal and published modifications).